The following is an entry in ClinVar:

ClinVar aggregate classification (germline): Uncertain significance (1 of 4 stars; one submission).

Allele frequency attached by ClinVar (database versions not stated): gnomAD exomes below 0.00001.

Submission:

Labcorp Genetics (formerly Invitae), Labcorp
Classification: Uncertain significance. Last evaluated: 2020-03-14. Review status: criteria provided, single submitter. Criteria: Invitae Variant Classification Sherloc (09022015). Collection method: clinical testing. Allele origin: germline.
Comment: This sequence change replaces tyrosine with histidine at codon 560 of the IMPG2 protein (p.Tyr560His). The tyrosine residue is moderately conserved and there is a moderate physicochemical difference between tyrosine and histidine. This variant is not present in population databases (ExAC no frequency). In summary, the available evidence is currently insufficient to determine the role of this variant in disease. Therefore, it has been classified as a Variant of Uncertain Significance. Algorithms developed to predict the effect of missense changes on protein structure and function output the following: SIFT: "Tolerated"; PolyPhen-2: "Benign"; Align-GVGD: "Class C0". The histidine amino acid residue is found in multiple mammalian species, suggesting that this missense change does not adversely affect protein function. These predictions have not been confirmed by published functional studies and their clinical significance is uncertain. This variant has not been reported in the literature in individuals with IMPG2-related conditions.

NM_016247.4(IMPG2):c.1678T>C (p.Tyr560His)

Gene: IMPG2 (interphotoreceptor matrix proteoglycan 2; minus strand). Cytogenetic location: 3q12.3.
Variant type: single nucleotide variant.
Coding change: c.1678T>C on transcript NM_016247.4 (MANE Select); coding-DNA position 1678, T replaced by C.
Protein change: p.Tyr560His; replaces tyrosine 560 with histidine.
Molecular consequence: missense variant.
Genome position (GRCh38, 1-based): chr3:101,244,653, A>G on the plus strand (T>C on the coding strand, the complement: IMPG2 is on the minus strand). VCF-style: chr3-101244653-A-G. GRCh37 (hg19) VCF-style: chr3-100963497-A-G.
Other names: short protein forms Y560H.
Identifiers: ClinVar variation 1043799 (VCV001043799.8), dbSNP rs1706455716, ClinGen allele CA353860352.